The following is an entry in ClinVar:

ClinVar aggregate classification (germline): Uncertain significance (1 of 4 stars; one submission).

Conditions:
Cardiovascular phenotype. Identifiers: MedGen CN230736.

Submission:

Ambry Genetics
Classification: Uncertain significance for Cardiovascular phenotype. Last evaluated: 2021-01-25. Review status: criteria provided, single submitter. Criteria: Ambry Variant Classification Scheme 2023. Collection method: clinical testing. Allele origin: germline.
Comment: The p.V180A variant (also known as c.539T>C), located in coding exon 5 of the SOS1 gene, results from a T to C substitution at nucleotide position 539. The valine at codon 180 is replaced by alanine, an amino acid with similar properties. This amino acid position is well conserved in available vertebrate species. In addition, this alteration is predicted to be tolerated by in silico analysis. Since supporting evidence is limited at this time, the clinical significance of this alteration remains unclear.

NM_005633.4(SOS1):c.539T>C (p.Val180Ala)

Gene: SOS1 (SOS Ras/Rac guanine nucleotide exchange factor 1; minus strand). Cytogenetic location: 2p22.1.
Variant type: single nucleotide variant.
Coding change: c.539T>C on transcript NM_005633.4 (MANE Select); coding-DNA position 539, T replaced by C.
Protein change: p.Val180Ala; replaces valine 180 with alanine.
Molecular consequence: missense variant.
Genome position (GRCh38, 1-based): chr2:39,054,795, A>G on the plus strand (T>C on the coding strand, the complement: SOS1 is on the minus strand). VCF-style: chr2-39054795-A-G. GRCh37 (hg19) VCF-style: chr2-39281936-A-G.
Other names: c.518T>C, p.Val173Ala (NM_001382394.1); c.539T>C, p.Val180Ala (NM_001382395.1); short protein forms V173A, V180A.
Identifiers: ClinVar variation 1747284 (VCV001747284.2), dbSNP rs2465347481, ClinGen allele CA346373297.